The following is an entry in ClinVar:

NM_017866.6(TMEM70):c.410C>T (p.Pro137Leu)

Gene: TMEM70 (transmembrane protein 70; plus strand). Cytogenetic location: 8q21.11.
Variant type: single nucleotide variant.
Coding change: c.410C>T on transcript NM_017866.6 (MANE Select); coding-DNA position 410, C replaced by T.
Protein change: p.Pro137Leu; replaces proline 137 with leucine.
Molecular consequence: missense variant. On other transcripts: 3 prime UTR variant (1), non-coding transcript variant (1).
Genome position (GRCh38, 1-based): chr8:73,981,248, C>T. VCF-style: chr8-73981248-C-T. GRCh37 (hg19) VCF-style: chr8-74893483-C-T.
Other names: p.Pro137Leu; c.*100C>T (NM_001040613.3); short protein forms P137L.
Identifiers: ClinVar variation 842058 (VCV000842058.7), dbSNP rs201367229, ClinGen allele CA4784048.
Genomic context (GRCh38, chr8:73,981,248, plus strand): 5'-TTGGCCTTACATTTCTGCCATACATTTTTACACAAAATAATGCTATTTCTGAAAGTGTGC[C>T]TCTGCCTATTCAAATCATATTCTATGGCATCATGGGAAGCTTTACGGTGATCACCCCAGT-3'
Protein context (NP_060336.3, residues 127-147): TQNNAISESV[Pro137Leu]LPIQIIFYGI

ClinVar aggregate classification (germline): Uncertain significance. Review status: criteria provided, multiple submitters, no conflicts (2 of 4 stars). 3 submissions from 3 submitters: Uncertain significance (3). Last evaluated 2024-05-01.

Conditions:
Mitochondrial complex V (ATP synthase) deficiency, nuclear type 2. Also called: Nuclear-Encoded ATPase Deficiency, TMEM70-Related; ENCEPHALOCARDIOMYOPATHY, MITOCHONDRIAL, NEONATAL, DUE TO ATP SYNTHASE DEFICIENCY; MITOCHONDRIAL COMPLEX V (ATP SYNTHASE) DEFICIENCY, TMEM70 TYPE. Identifiers: Orphanet 1194, MedGen C3279699, MONDO:0013546, OMIM 614052.

Allele frequency attached by ClinVar (database versions not stated): gnomAD 0.00004; TOPMed 0.00004; gnomAD exomes 0.00005 and 0.00006; ExAC 0.00006.

Submissions (3):

Mayo Clinic Laboratories, Mayo Clinic
Classification: Uncertain significance. Last evaluated: 2024-05-01. Review status: criteria provided, single submitter. Criteria: ACMG Guidelines, 2015. Collection method: clinical testing. Allele origin: germline. Observed: 1 variant allele.
Comment: BP4

Labcorp Genetics (formerly Invitae), Labcorp
Classification: Uncertain significance for Mitochondrial complex V (ATP synthase) deficiency, nuclear type 2. Last evaluated: 2022-05-02. Review status: criteria provided, single submitter. Criteria: Invitae Variant Classification Sherloc (09022015). Collection method: clinical testing. Allele origin: germline.
Comment: This sequence change replaces proline, which is neutral and non-polar, with leucine, which is neutral and non-polar, at codon 137 of the TMEM70 protein (p.Pro137Leu). This variant is present in population databases (rs201367229, gnomAD 0.009%). This variant has not been reported in the literature in individuals affected with TMEM70-related conditions. ClinVar contains an entry for this variant (Variation ID: 842058). Algorithms developed to predict the effect of missense changes on protein structure and function (SIFT, PolyPhen-2, Align-GVGD) all suggest that this variant is likely to be tolerated. In summary, the available evidence is currently insufficient to determine the role of this variant in disease. Therefore, it has been classified as a Variant of Uncertain Significance.

Fulgent Genetics
Classification: Uncertain significance for Mitochondrial complex V (ATP synthase) deficiency, nuclear type 2. Last evaluated: 2021-11-05. Review status: criteria provided, single submitter. Criteria: ACMG Guidelines, 2015. Collection method: clinical testing. Allele origin: unknown.